The following is an entry in ClinVar:

ClinVar aggregate classification (germline): Pathogenic/Likely pathogenic. Review status: criteria provided, multiple submitters, no conflicts (2 of 4 stars). 9 submissions from 9 submitters: Pathogenic (8); Likely pathogenic (1). Last evaluated 2025-09-17.

Conditions:
PKD1-related disorder. Also called: PKD1-related condition.
Polycystic kidney disease, adult type (PKD1). Also called: POLYCYSTIC KIDNEY DISEASE, ADULT, TYPE I; Polycystic Kidney, Autosomal Dominant; POLYCYSTIC KIDNEY DISEASE 1 WITH OR WITHOUT POLYCYSTIC LIVER DISEASE; Polycystic Kidney Disease 1, Autosomal Dominant; Polycystic kidney disease 1; Polycystic kidney disease 1, severe. Identifiers: MedGen C3149841, MONDO:0008263, OMIM 173900.

Allele frequency attached by ClinVar (database versions not stated): gnomAD exomes below 0.00001.

Submissions (9):

PreventionGenetics, part of Exact Sciences
Classification: Pathogenic for PKD1-related condition. Last evaluated: 2025-09-17. Review status: criteria provided, single submitter. Criteria: ACMG Guidelines, 2015. Collection method: clinical testing. Allele origin: germline.
Comment: The PKD1 c.4070delT variant is predicted to result in a frameshift and premature protein termination (p.Leu1357Argfs*9). This variant has been reported in multiple individuals with autosomal dominant polycystic kidney disease (ADPKD) (see for example, Rossetti et al. 2007. PubMed ID: 17582161; Kim et al. 2019. PubMed ID: 31740684). This variant has not been reported in a large population database (gnomAD), indicating this variant is rare. Frameshift variants in PKD1 are expected to be pathogenic. This variant is interpreted as pathogenic.

Victorian Clinical Genetics Services, Murdoch Childrens Research Institute
Classification: Pathogenic for Polycystic kidney disease, adult type. Last evaluated: 2025-04-15. Review status: criteria provided, single submitter. Criteria: ACMG Guidelines, 2015. Collection method: clinical testing. Allele origin: germline. Affected: yes.
Comment: This variant is classified as Pathogenic. Evidence in support of pathogenic classification: Variant is predicted to cause nonsense-mediated decay (NMD) and loss of protein (premature termination codon is located at least 54 nucleotides upstream of the final exon-exon junction); Variant is absent from gnomAD (both v2 and v3); This variant has strong previous evidence of pathogenicity in unrelated individuals. This variant has been classified as pathogenic by clinical laboratories in ClinVar and reported in the literature in individuals with autosomal dominant polycystic kidney disease (PMID: 31740684, 17582161); Other NMD-predicted variants comparable to the one identified in this case have very strong previous evidence for pathogenicity (ClinVar); Additional information: This variant is heterozygous; This gene is associated with autosomal dominant disease. Polycystic kidney disease 1 (MIM#173900) is predominantly caused by monoallelic variants, with rare reports of biallelic variants causing disease (OMIM); Loss of function is a known mechanism of disease in this gene and is associated with Polycystic kidney disease 1 (MIM#173900).

Genomic Medicine Center of Excellence, King Faisal Specialist Hospital and Research Centre
Classification: Pathogenic for Polycystic kidney disease, adult type. Last evaluated: 2024-09-22. Review status: criteria provided, single submitter. Criteria: ACMG Guidelines, 2015. Collection method: clinical testing. Allele origin: germline.

Blueprint Genetics
Classification: Pathogenic for PKD1-related disorders. Last evaluated: 2022-07-06. Review status: criteria provided, single submitter. Criteria: ACMG Guidelines, 2015. Collection method: clinical testing. Allele origin: germline. Affected: yes. Observed: 2 variant alleles.

Fulgent Genetics
Classification: Pathogenic for Polycystic kidney disease, adult type. Last evaluated: 2022-05-12. Review status: criteria provided, single submitter. Criteria: ACMG Guidelines, 2015. Collection method: clinical testing. Allele origin: unknown.

Athena Diagnostics
Classification: Pathogenic. Last evaluated: 2021-06-16. Review status: criteria provided, single submitter. Criteria: Athena Diagnostics Criteria. Collection method: clinical testing. Allele origin: unknown.
Comment: This variant is expected to result in the loss of a functional protein. This variant has not been reported in large, multi-ethnic general populations. This variant has been identified in at least one individual with clinical features associated with this gene.

Department of Pathology and Laboratory Medicine, Sinai Health System
Classification: Pathogenic for Polycystic kidney disease, adult type. Last evaluated: 2021-04-15. Review status: criteria provided, single submitter. Criteria: ACMG Guidelines, 2015. Collection method: clinical testing. Allele origin: germline. Affected: yes.

Molecular Genetics of Inherited Kidney Disorders Laboratory, Garvan Institute of Medical Research
Classification: Pathogenic. Last evaluated: 2019-01-01. Review status: criteria provided, single submitter. Criteria: ACMG Guidelines, 2015. Collection method: clinical testing. Allele origin: germline. Affected: yes. Observed: 2 variant alleles.

Clinical Genetics Service, Universitary Hospital 12 de Octubre
Classification: Likely pathogenic for Polycystic kidney disease, adult type. Review status: criteria provided, single submitter. Criteria: ACMG Guidelines, 2015. Collection method: clinical testing. Allele origin: germline. Affected: yes.

Literature cited by the submitters: PubMed 17582161 (cited by 3 submitters); PubMed 31740684 (cited by Victorian Clinical Genetics Services, Murdoch Childrens Research Institute and Athena Diagnostics); PubMed 22508176 (cited by Department of Pathology and Laboratory Medicine, Sinai Health System).

NM_001009944.3(PKD1):c.4070del (p.Leu1357fs)

Gene: PKD1 (polycystin 1, transient receptor potential channel interacting; minus strand). Cytogenetic location: 16p13.3.
Variant type: Deletion.
Coding change: c.4070del on transcript NM_001009944.3 (MANE Select); coding-DNA position 4070, one base deleted (T; older notation c.4070delT).
Protein change: p.Leu1357fs; shifts the reading frame from leucine 1357.
Molecular consequence: frameshift variant.
Genome position (GRCh38, 1-based): chr16:2,111,097, A deleted on the plus strand (T on the coding strand, the reverse complement: PKD1 is on the minus strand). VCF-style (leftmost placement, unchanged base first): chr16-2111096-CA-C. GRCh37 (hg19) VCF-style: chr16-2161097-CA-C.
Other names: c.4070del, p.Leu1357fs (NM_000296.4); c.4070delT (NM_001009944.2); short protein forms L1357fs.
Identifiers: ClinVar variation 636886 (VCV000636886.13), dbSNP rs1596560540, ClinGen allele CA915949035.